The following is an entry in ClinVar:

NM_004320.6(ATP2A1):c.1765A>G (p.Thr589Ala)

Gene: ATP2A1 (ATPase sarcoplasmic/endoplasmic reticulum Ca2+ transporting 1; plus strand). Cytogenetic location: 16p11.2.
Variant type: single nucleotide variant.
Coding change: c.1765A>G on transcript NM_004320.6 (MANE Select); coding-DNA position 1765, A replaced by G.
Protein change: p.Thr589Ala; replaces threonine 589 with alanine.
Molecular consequence: missense variant.
Genome position (GRCh38, 1-based): chr16:28,900,581, A>G. VCF-style: chr16-28900581-A-G. GRCh37 (hg19) VCF-style: chr16-28911902-A-G.
Other names: c.1390A>G, p.Thr464Ala (NM_001286075.2); c.1765A>G, p.Thr589Ala (NM_173201.5); short protein forms T464A, T589A.
Identifiers: ClinVar variation 2146475 (VCV002146475.4), dbSNP rs765461166, ClinGen allele CA7987079.
Genomic context (GRCh38, chr16:28,900,581, plus strand): 5'-CCTCCAGGGGAGTTTTCCAGATCCCCACCTGACCTGTGGCTCTCTGCTGTATCTCCCCAG[A>G]CGGACCTGACATTCGTGGGTGTAGTGGGCATGCTGGACCCTCCGCGCAAGGAGGTCACGG-3'
Protein context (NP_004311.1, residues 579-599): DDSARFLEYE[Thr589Ala]DLTFVGVVGM

ClinVar aggregate classification (germline): Uncertain significance (1 of 4 stars; one submission).

Conditions:
Brody myopathy. Also called: BRODY DISEASE. Identifiers: Orphanet 53347, MedGen C1832918, MONDO:0010977, OMIM 601003.

Allele frequency attached by ClinVar (database versions not stated): gnomAD exomes below 0.00001; ExAC 0.00001; gnomAD 0.00001.
gnomAD v4.1: 2 of 1,560,308 alleles (0.00013%); highest among the groups gnomAD compares: African/African-American, 0.0027%; no homozygotes.

Submission:

Labcorp Genetics (formerly Invitae), Labcorp
Classification: Uncertain significance for Brody myopathy. Last evaluated: 2022-02-20. Review status: criteria provided, single submitter. Criteria: Invitae Variant Classification Sherloc (09022015). Collection method: clinical testing. Allele origin: germline.
Comment: In summary, the available evidence is currently insufficient to determine the role of this variant in disease. Therefore, it has been classified as a Variant of Uncertain Significance. Algorithms developed to predict the effect of missense changes on protein structure and function (SIFT, PolyPhen-2, Align-GVGD) all suggest that this variant is likely to be tolerated. This variant has not been reported in the literature in individuals affected with ATP2A1-related conditions. This variant is present in population databases (rs765461166, gnomAD 0.007%). This sequence change replaces threonine, which is neutral and polar, with alanine, which is neutral and non-polar, at codon 589 of the ATP2A1 protein (p.Thr589Ala).